The following is an entry in ClinVar:

NM_130837.3(OPA1):c.-12C>T

Gene: OPA1 (OPA1 mitochondrial dynamin like GTPase; plus strand). Cytogenetic location: 3q29.
Variant type: single nucleotide variant.
Coding change: c.-12C>T on transcript NM_130837.3 (MANE Select); 12 bases upstream of the start codon, C replaced by T.
Molecular consequence: 5 prime UTR variant.
Genome position (GRCh38, 1-based): chr3:193,593,366, C>T. VCF-style: chr3-193593366-C-T. GRCh37 (hg19) VCF-style: chr3-193311155-C-T.
Other names: c.-442C>T (NM_001354663.2, NM_001354664.2); c.-12C>T (NM_015560.3, NM_130831.3, NM_130832.3 and 4 more transcripts).
Identifiers: ClinVar variation 4684760 (VCV004684760.1).

ClinVar aggregate classification (germline): Likely benign (1 of 4 stars; one submission).

gnomAD v4.1: 10 of 1,545,914 alleles (0.00065%); highest among the groups gnomAD compares: Admixed American, 0.004%; no homozygotes.

Submission:

Mayo Clinic Laboratories, Mayo Clinic
Classification: Likely benign. Last evaluated: 2025-08-19. Review status: criteria provided, single submitter. Criteria: ACMG Guidelines, 2015. Collection method: clinical testing. Allele origin: germline. Observed: 1 variant allele.
Comment: PM2_supporting